The following is an entry in ClinVar:

NM_021074.5(NDUFV2):c.206del (p.Asn69fs)

Gene: NDUFV2 (NADH:ubiquinone oxidoreductase core subunit V2; plus strand). Cytogenetic location: 18p11.22.
Variant type: Deletion.
Coding change: c.206del on transcript NM_021074.5 (MANE Select); coding-DNA position 206, one base deleted (A; older notation c.206delA).
Protein change: p.Asn69fs; shifts the reading frame from asparagine 69.
Molecular consequence: frameshift variant.
Genome position (GRCh38, 1-based): chr18:9,119,496, A deleted; the last of 6 consecutive A bases (chr18:9,119,491-9,119,496); deleting any one gives the same sequence. VCF-style (leftmost placement, unchanged base first): chr18-9119490-TA-T. GRCh37 (hg19) VCF-style: chr18-9119488-TA-T.
Other names: c.206delA (NM_021074.5); short protein forms N69fs.
Identifiers: ClinVar variation 4689201 (VCV004689201.1).
Genomic context (GRCh38, chr18:9,119,490, plus strand): 5'-AATATTTTCTAGATGTATAAAATGATGTTCTTTCTTTTATACAGAGGATAGAGGCAATTG[TA>T]AAAAACTATCCAGAAGGCCATAAAGCAGCAGCTGTTCTTCCAGTCCTGGATTTAGCCCAA-3'

ClinVar aggregate classification (germline): Pathogenic (1 of 4 stars; one submission).

Conditions:
Mitochondrial complex I deficiency, nuclear type 7. Also called: Mitochondrial complex 1 deficiency, nuclear type 7. Identifiers: MedGen C4748760, MONDO:0032612, OMIM 618229.

Submission:

Women's Health and Genetics/Laboratory Corporation of America, LabCorp
Classification: Pathogenic for Mitochondrial complex I deficiency, nuclear type 7. Last evaluated: 2026-01-28. Review status: criteria provided, single submitter. Criteria: LabCorp Variant Classification Summary - May 2015. Collection method: clinical testing. Allele origin: germline.
Comment: Variant summary: NDUFV2 c.206delA (p.Asn69ThrfsX17) results in a premature termination codon, predicted to cause a truncation of the encoded protein or absence of the protein due to nonsense mediated decay, which are commonly known mechanisms for disease. The frequency data for this variant in gnomAD is considered unreliable, as metrics indicate poor data quality at this position. To our knowledge, no occurrence of c.206delA in individuals affected with NDUFV2-related conditions and no experimental evidence demonstrating its impact on protein function have been reported. No submitters have cited clinical-significance assessments for this variant to ClinVar. Based on the evidence outlined above, the variant was classified as pathogenic.